The following is an entry in ClinVar:

NM_004082.5(DCTN1):c.394-2dup

Gene: DCTN1 (dynactin subunit 1; minus strand). Cytogenetic location: 2p13.1.
Variant type: Duplication.
Coding change: c.394-2dup on transcript NM_004082.5 (MANE Select); the canonical splice acceptor site of the intron before coding-DNA position 394, one base duplicated (A; older notation c.394-2dupA).
Molecular consequence: splice acceptor variant. On other transcripts: intron variant (3).
Genome position (GRCh38, 1-based): chr2:74,376,764, T duplicated on the plus strand (A on the coding strand, the reverse complement: DCTN1 is on the minus strand). VCF-style (leftmost placement, unchanged base first): chr2-74376763-C-CT. GRCh37 (hg19) VCF-style: chr2-74603890-C-CT.
Other names: c.342+668dup (NM_001190836.2); c.343-2dup (NM_001378992.1, NM_001378991.1); c.393+668dup (NM_001135040.3, NM_001190837.2).
Identifiers: ClinVar variation 1516694 (VCV001516694.4), dbSNP rs1403988786, ClinGen allele CA892923264.

ClinVar aggregate classification (germline): Uncertain significance (1 of 4 stars; one submission).

Conditions:
Amyotrophic lateral sclerosis type 1 (ALS1). Also called: AMYOTROPHIC LATERAL SCLEROSIS 1, FAMILIAL. Identifiers: Orphanet 803, MedGen C1862939, MONDO:0007103, OMIM 105400.
Perry syndrome. Also called: PARKINSONISM WITH ALVEOLAR HYPOVENTILATION AND MENTAL DEPRESSION. Identifiers: Orphanet 178509, MedGen C1868594, MONDO:0008201, OMIM 168605.
Neuronopathy, distal hereditary motor, type 7B. Also called: Distal Hereditary Motor Neuronopathy Type 7B (dHMN7B); HMN VIIB; LOWER MOTOR NEURON DISEASE, DYNACTIN TYPE; NEURONOPATHY, DISTAL HEREDITARY MOTOR, AUTOSOMAL DOMINANT 14; NEURONOPATHY, DISTAL HEREDITARY MOTOR, HARDING TYPE VIIB; NEUROPATHY, DISTAL HEREDITARY MOTOR, HARDING TYPE VIIB. Identifiers: Orphanet 139589, MedGen C1843315, MONDO:0011879, OMIM 607641.

Allele frequency attached by ClinVar (database versions not stated): gnomAD exomes below 0.00001; TOPMed below 0.00001.

Submission:

Labcorp Genetics (formerly Invitae), Labcorp
Classification: Uncertain significance for Amyotrophic lateral sclerosis type 1; Neuronopathy, distal hereditary motor, type 7B; Perry syndrome. Last evaluated: 2025-08-13. Review status: criteria provided, single submitter. Criteria: Invitae Variant Classification Sherloc (09022015). Collection method: clinical testing. Allele origin: germline.
Comment: This sequence change falls in intron 4 of the DCTN1 gene. It does not directly change the encoded amino acid sequence of the DCTN1 protein. It affects a nucleotide within the consensus splice site. This variant is not present in population databases (gnomAD no frequency). This variant has not been reported in the literature in individuals affected with DCTN1-related conditions. ClinVar contains an entry for this variant (Variation ID: 1516694). Variants that disrupt the consensus splice site are a relatively common cause of aberrant splicing (PMID: 17576681, 9536098). In summary, the available evidence is currently insufficient to determine the role of this variant in disease. Therefore, it has been classified as a Variant of Uncertain Significance.

Literature cited by the submitters: PubMed 17576681; PubMed 9536098.